The following is an entry in ClinVar:

NM_172364.5(CACNA2D4):c.1683T>G (p.Asn561Lys)

Gene: CACNA2D4 (calcium voltage-gated channel auxiliary subunit alpha2delta 4; minus strand). Cytogenetic location: 12p13.33.
Variant type: single nucleotide variant.
Coding change: c.1683T>G on transcript NM_172364.5 (MANE Select); coding-DNA position 1683, T replaced by G.
Protein change: p.Asn561Lys; replaces asparagine 561 with lysine.
Molecular consequence: missense variant.
Genome position (GRCh38, 1-based): chr12:1,878,351, A>C on the plus strand (T>G on the coding strand, the complement: CACNA2D4 is on the minus strand). VCF-style: chr12-1878351-A-C. GRCh37 (hg19) VCF-style: chr12-1987517-A-C.
Other names: short protein forms N561K.
Identifiers: ClinVar variation 1406623 (VCV001406623.8), dbSNP rs886049129, ClinGen allele CA383353563.

ClinVar aggregate classification (germline): Uncertain significance (1 of 4 stars; one submission).

Allele frequency attached by ClinVar (database versions not stated): TOPMed below 0.00001.

Submission:

Labcorp Genetics (formerly Invitae), Labcorp
Classification: Uncertain significance. Last evaluated: 2021-02-02. Review status: criteria provided, single submitter. Criteria: Invitae Variant Classification Sherloc (09022015). Collection method: clinical testing. Allele origin: germline.
Comment: Algorithms developed to predict the effect of missense changes on protein structure and function are either unavailable or do not agree on the potential impact of this missense change (SIFT: "Deleterious"; PolyPhen-2: "Probably Damaging"; Align-GVGD: "Class C0"). In summary, the available evidence is currently insufficient to determine the role of this variant in disease. Therefore, it has been classified as a Variant of Uncertain Significance. Algorithms developed to predict the effect of sequence changes on RNA splicing suggest that this variant may create or strengthen a splice site, but this prediction has not been confirmed by published transcriptional studies. This variant has not been reported in the literature in individuals with CACNA2D4-related conditions. This variant is not present in population databases (ExAC no frequency). This sequence change replaces asparagine with lysine at codon 561 of the CACNA2D4 protein (p.Asn561Lys). The asparagine residue is highly conserved and there is a moderate physicochemical difference between asparagine and lysine.